The following is an entry in ClinVar:

NM_003098.3(SNTA1):c.1123G>A (p.Gly375Ser)

Gene: SNTA1 (syntrophin alpha 1; minus strand). Cytogenetic location: 20q11.21.
Variant type: single nucleotide variant.
Coding change: c.1123G>A on transcript NM_003098.3 (MANE Select); coding-DNA position 1123, G replaced by A.
Protein change: p.Gly375Ser; replaces glycine 375 with serine.
Molecular consequence: missense variant.
Genome position (GRCh38, 1-based): chr20:33,410,249, C>T on the plus strand (G>A on the coding strand, the complement: SNTA1 is on the minus strand). VCF-style: chr20-33410249-C-T. GRCh37 (hg19) VCF-style: chr20-31998055-C-T.
Other names: short protein forms G375S.
Identifiers: ClinVar variation 2139624 (VCV002139624.5), dbSNP rs753535656, ClinGen allele CA9817033.

ClinVar aggregate classification (germline): Uncertain significance. Review status: criteria provided, multiple submitters, no conflicts (2 of 4 stars). 2 submissions from 2 submitters: Uncertain significance (2). Last evaluated 2024-07-31.

Conditions:
Long QT syndrome (LQTS). Identifiers: MedGen C0023976, MeSH D008133, MONDO:0002442. Disease mechanism: loss of function. Inheritance: Various modes of inheritance.

Allele frequency attached by ClinVar (database versions not stated): TOPMed below 0.00001; gnomAD exomes 0.00001; ExAC 0.00004.
gnomAD v4.1: 16 of 1,613,414 alleles (0.00099%); highest among the groups gnomAD compares: East Asian, 0.027%; no homozygotes.

Submissions (2):

GeneDx
Classification: Uncertain significance. Last evaluated: 2024-07-31. Review status: criteria provided, single submitter. Criteria: GeneDx Variant Classification Process June 2021. Collection method: clinical testing. Allele origin: germline. Affected: yes.
Comment: Has not been previously published as pathogenic or benign to our knowledge; In silico analysis supports that this missense variant has a deleterious effect on protein structure/function; In silico analysis suggests this variant may impact gene splicing. In the absence of RNA/functional studies, the actual effect of this sequence change is unknown.

Labcorp Genetics (formerly Invitae), Labcorp
Classification: Uncertain significance for Long QT syndrome. Last evaluated: 2023-07-03. Review status: criteria provided, single submitter. Criteria: Invitae Variant Classification Sherloc (09022015). Collection method: clinical testing. Allele origin: germline.
Comment: In summary, the available evidence is currently insufficient to determine the role of this variant in disease. Therefore, it has been classified as a Variant of Uncertain Significance. Algorithms developed to predict the effect of sequence changes on RNA splicing suggest that this variant may create or strengthen a splice site. An algorithm developed to predict the effect of missense changes on protein structure and function (PolyPhen-2) suggests that this variant is likely to be disruptive. ClinVar contains an entry for this variant (Variation ID: 2139624). This variant has not been reported in the literature in individuals affected with SNTA1-related conditions. This variant is present in population databases (rs753535656, gnomAD 0.02%). This sequence change replaces glycine, which is neutral and non-polar, with serine, which is neutral and polar, at codon 375 of the SNTA1 protein (p.Gly375Ser).